The following is an entry in ClinVar:

ClinVar aggregate classification (germline): Pathogenic (1 of 4 stars; one submission).

Conditions:
Tuberous sclerosis 2 (TSC2). Identifiers: Orphanet 805, MedGen C1860707, MONDO:0013199, OMIM 613254.

Submission:

Labcorp Genetics (formerly Invitae), Labcorp
Classification: Pathogenic for Tuberous sclerosis 2. Last evaluated: 2019-04-25. Review status: criteria provided, single submitter. Criteria: Invitae Variant Classification Sherloc (09022015). Collection method: clinical testing. Allele origin: germline.
Comment: For these reasons, this variant has been classified as Pathogenic. Loss-of-function variants in TSC2 are known to be pathogenic (PMID: 10205261, 17304050). Algorithms developed to predict the effect of sequence changes on RNA splicing suggest that this variant may disrupt the consensus splice site, but this prediction has not been confirmed by published transcriptional studies. This variant has not been reported in the literature in individuals with TSC2-related conditions. This variant is not present in population databases (ExAC no frequency). This sequence change creates a premature translational stop signal (p.Lys914Glyfs*34) in the TSC2 gene. It is expected to result in an absent or disrupted protein product.

Literature cited by the submitters: PubMed 10205261; PubMed 17304050.

NM_000548.5(TSC2):c.2740_2741delinsG (p.Lys914fs)

Gene: TSC2 (TSC complex subunit 2; plus strand). Cytogenetic location: 16p13.3.
Variant type: Indel.
Coding change: c.2740_2741delinsG on transcript NM_000548.5 (MANE Select); coding-DNA positions 2740 to 2741, AA replaced by G.
Protein change: p.Lys914fs; shifts the reading frame from lysine 914.
Molecular consequence: frameshift variant.
Genome position (GRCh38, 1-based): chr16:2,076,168-2,076,169, AA replaced by G. VCF-style: chr16-2076168-AA-G. GRCh37 (hg19) VCF-style: chr16-2126169-AA-G.
Other names: c.2740_2741delinsG, p.Lys914fs (NM_001077183.3, NM_001114382.3, NM_001363528.2 and 3 more transcripts); c.2629_2630delinsG, p.Lys877fs (NM_001318827.2); c.2593_2594delinsG, p.Lys865fs (NM_001318829.2); c.2140_2141delinsG, p.Lys714fs (NM_001318831.2); c.2773_2774delinsG, p.Lys925fs (NM_001318832.2); short protein forms K914fs, K865fs, K877fs, K714fs, K925fs.
Identifiers: ClinVar variation 964914 (VCV000964914.6), dbSNP rs2089331902, ClinGen allele CA1139664238.